The following is an entry in ClinVar:

NM_001329943.3(KIAA0586):c.2693G>A (p.Ser898Asn)

Gene: KIAA0586 (KIAA0586; plus strand). Cytogenetic location: 14q23.1.
Variant type: single nucleotide variant.
Coding change: c.2693G>A on transcript NM_001329943.3 (MANE Select); coding-DNA position 2693, G replaced by A.
Protein change: p.Ser898Asn; replaces serine 898 with asparagine.
Molecular consequence: missense variant.
Genome position (GRCh38, 1-based): chr14:58,474,665, G>A. VCF-style: chr14-58474665-G-A. GRCh37 (hg19) VCF-style: chr14-58941383-G-A.
Other names: c.2852G>A, p.Ser951Asn (NM_001244189.2); c.2648G>A, p.Ser883Asn (NM_001244190.2); c.2438G>A, p.Ser813Asn (NM_001244191.2, NM_001329945.2, NM_001364700.1 and 1 more transcripts); c.2561G>A, p.Ser854Asn (NM_001244192.2); c.2273G>A, p.Ser758Asn (NM_001244193.2); c.2693G>A, p.Ser898Asn (NM_001329944.2, NM_001329946.2, NM_001329947.2); c.2465G>A, p.Ser822Asn (NM_014749.5); short protein forms S883N, S951N, S813N, S822N, S898N, S758N, S854N.
Identifiers: ClinVar variation 1353885 (VCV001353885.8), dbSNP rs760087214, ClinGen allele CA7205954.

ClinVar aggregate classification (germline): Uncertain significance (1 of 4 stars; one submission).

Conditions:
Short-rib thoracic dysplasia 14 with polydactyly (SRTD14). Identifiers: Orphanet 397715, MedGen C4225286, MONDO:0014688, OMIM 616546.
Joubert syndrome 23 (JBTS23). Identifiers: Orphanet 475, MedGen C4084822, MONDO:0014664, OMIM 616490.

Allele frequency attached by ClinVar (database versions not stated): gnomAD exomes below 0.00001; ExAC 0.00001.
gnomAD v4.1: 5 of 1,611,118 alleles (0.00031%); highest among the groups gnomAD compares: South Asian, 0.0044%; no homozygotes.

Submission:

Labcorp Genetics (formerly Invitae), Labcorp
Classification: Uncertain significance for Joubert syndrome 23; Short-rib thoracic dysplasia 14 with polydactyly. Last evaluated: 2025-05-05. Review status: criteria provided, single submitter. Criteria: Invitae Variant Classification Sherloc (09022015). Collection method: clinical testing. Allele origin: germline.
Comment: This sequence change replaces serine, which is neutral and polar, with asparagine, which is neutral and polar, at codon 951 of the KIAA0586 protein (p.Ser951Asn). This variant is present in population databases (rs760087214, gnomAD 0.003%). This variant has not been reported in the literature in individuals affected with KIAA0586-related conditions. ClinVar contains an entry for this variant (Variation ID: 1353885). Invitae Evidence Modeling of protein sequence and biophysical properties (such as structural, functional, and spatial information, amino acid conservation, physicochemical variation, residue mobility, and thermodynamic stability) indicates that this missense variant is not expected to disrupt KIAA0586 protein function with a negative predictive value of 80%. In summary, the available evidence is currently insufficient to determine the role of this variant in disease. Therefore, it has been classified as a Variant of Uncertain Significance.